The following is an entry in ClinVar:

NM_001987.5(ETV6):c.596G>A (p.Arg199Gln)

Gene: ETV6 (ETS variant transcription factor 6; plus strand). Cytogenetic location: 12p13.2.
Variant type: single nucleotide variant.
Coding change: c.596G>A on transcript NM_001987.5 (MANE Select); coding-DNA position 596, G replaced by A.
Protein change: p.Arg199Gln; replaces arginine 199 with glutamine.
Molecular consequence: missense variant.
Genome position (GRCh38, 1-based): chr12:11,869,556, G>A. VCF-style: chr12-11869556-G-A. GRCh37 (hg19) VCF-style: chr12-12022490-G-A.
Other names: c.596G>A, p.Arg199Gln (NM_001413917.1, NM_001413916.1); c.593G>A, p.Arg198Gln (NM_001413913.1); c.569G>A, p.Arg190Gln (NM_001413914.1); c.332G>A, p.Arg111Gln (NM_001413915.1); short protein forms R190Q, R198Q, R199Q, R111Q.
Identifiers: ClinVar variation 2735804 (VCV002735804.3), dbSNP rs747770209, ClinGen allele CA6454293.

ClinVar aggregate classification (germline): Uncertain significance (1 of 4 stars; one submission).

Allele frequency attached by ClinVar (database versions not stated): gnomAD exomes 0.00002; gnomAD 0.00001; TOPMed 0.00002; ExAC 0.00004.
gnomAD v4.1: 27 of 1,613,982 alleles (0.0017%); highest among the groups gnomAD compares: South Asian, 0.012%; no homozygotes.

Submission:

Labcorp Genetics (formerly Invitae), Labcorp
Classification: Uncertain significance. Last evaluated: 2025-10-09. Review status: criteria provided, single submitter. Criteria: Invitae Variant Classification Sherloc (09022015). Collection method: clinical testing. Allele origin: germline.
Comment: This sequence change replaces arginine, which is basic and polar, with glutamine, which is neutral and polar, at codon 199 of the ETV6 protein (p.Arg199Gln). This variant is present in population databases (rs747770209, gnomAD 0.01%). This missense change has been observed in individual(s) with acute lymphoblastic leukemia (PMID: 26522332). ClinVar contains an entry for this variant (Variation ID: 2735804). Invitae Evidence Modeling of protein sequence and biophysical properties (such as structural, functional, and spatial information, amino acid conservation, physicochemical variation, residue mobility, and thermodynamic stability) indicates that this missense variant is not expected to disrupt ETV6 protein function with a negative predictive value of 80%. Experimental studies have shown that this missense change does not substantially affect ETV6 function (PMID: 32693409). In summary, the available evidence is currently insufficient to determine the role of this variant in disease. Therefore, it has been classified as a Variant of Uncertain Significance.

Literature cited by the submitters: PubMed 26522332; PubMed 32693409.